The following is an entry in ClinVar:

ClinVar aggregate classification (germline): Uncertain significance (1 of 4 stars; one submission).

Allele frequency attached by ClinVar (database versions not stated): gnomAD 0.00001; 1000 Genomes Project 0.00020; 1000 Genomes Project 30x 0.00031.
gnomAD v4.1: 8 of 1,614,064 alleles (0.0005%); highest among the groups gnomAD compares: South Asian, 0.0066%; no homozygotes.

Submission:

Labcorp Genetics (formerly Invitae), Labcorp
Classification: Uncertain significance. Last evaluated: 2021-08-25. Review status: criteria provided, single submitter. Criteria: Invitae Variant Classification Sherloc (09022015). Collection method: clinical testing. Allele origin: germline.
Comment: This sequence change replaces proline with serine at codon 1346 of the NBAS protein (p.Pro1346Ser). The proline residue is highly conserved and there is a moderate physicochemical difference between proline and serine. In summary, the available evidence is currently insufficient to determine the role of this variant in disease. Therefore, it has been classified as a Variant of Uncertain Significance. Algorithms developed to predict the effect of missense changes on protein structure and function (SIFT, PolyPhen-2, Align-GVGD) all suggest that this variant is likely to be disruptive. This variant has not been reported in the literature in individuals affected with NBAS-related conditions. This variant is not present in population databases (ExAC no frequency).

NM_015909.4(NBAS):c.4036C>T (p.Pro1346Ser)

Gene: NBAS (NBAS subunit of NRZ tethering complex; minus strand). Cytogenetic location: 2p24.3.
Variant type: single nucleotide variant.
Coding change: c.4036C>T on transcript NM_015909.4 (MANE Select); coding-DNA position 4036, C replaced by T.
Protein change: p.Pro1346Ser; replaces proline 1346 with serine.
Molecular consequence: missense variant. On other transcripts: non-coding transcript variant (1).
Genome position (GRCh38, 1-based): chr2:15,353,606, G>A on the plus strand (C>T on the coding strand, the complement: NBAS is on the minus strand). VCF-style: chr2-15353606-G-A. GRCh37 (hg19) VCF-style: chr2-15493730-G-A.
Other names: short protein forms P1346S.
Identifiers: ClinVar variation 1376624 (VCV001376624.5), dbSNP rs555684707, ClinGen allele CA42623690.
Genomic context (GRCh38, chr2:15,353,606, plus strand): 5'-GACTTACTTCTGTCTGCAGAGAGCTGCTAGCTGCCAAAAGAAGTTCAATGCTGCTAGGAG[G>A]GCAATGTGTCAAAGCAAAAGCCATGAGCTCTTGACGAGTGGCCAAGTCCTGGTAACCTTC-3'
Protein context (NP_056993.2, residues 1336-1356): ELMAFALTHC[Pro1346Ser]PSSIELLLAA